The following is an entry in ClinVar:

NM_016824.5(ADD3):c.311C>T (p.Ser104Leu)

Gene: ADD3 (adducin 3; plus strand). Cytogenetic location: 10q25.2.
Variant type: single nucleotide variant.
Coding change: c.311C>T on transcript NM_016824.5 (MANE Select); coding-DNA position 311, C replaced by T.
Protein change: p.Ser104Leu; replaces serine 104 with leucine.
Molecular consequence: missense variant.
Genome position (GRCh38, 1-based): chr10:110,112,892, C>T. VCF-style: chr10-110112892-C-T. GRCh37 (hg19) VCF-style: chr10-111872650-C-T.
Other names: c.311C>T, p.Ser104Leu (NM_001121.4, NM_001320591.2, NM_001320592.2 and 2 more transcripts); c.77C>T, p.Ser26Leu (NM_001320594.2); c.311C>T (NM_016824.3); short protein forms S104L, S26L.
Identifiers: ClinVar variation 1378502 (VCV001378502.10), dbSNP rs139343347, ClinGen allele CA5686303.

ClinVar aggregate classification (germline): Uncertain significance. Review status: criteria provided, multiple submitters, no conflicts (2 of 4 stars). 2 submissions from 2 submitters: Uncertain significance (2). Last evaluated 2024-03-31.

Allele frequency attached by ClinVar (database versions not stated): gnomAD exomes 0.00006 and 0.00011; ExAC 0.00009; 1000 Genomes Project 30x 0.00016; 1000 Genomes Project 0.00020; ESP Exome Variant Server 0.00023; TOPMed 0.00035; gnomAD 0.00037 and 0.00039.
gnomAD v4.1: 154 of 1,613,648 alleles (0.0095%); highest among the groups gnomAD compares: African/African-American, 0.075%; no homozygotes.

Submissions (2):

Ambry Genetics
Classification: Uncertain significance. Last evaluated: 2024-03-31. Review status: criteria provided, single submitter. Criteria: Ambry Variant Classification Scheme 2023. Collection method: clinical testing. Allele origin: germline.

Labcorp Genetics (formerly Invitae), Labcorp
Classification: Uncertain significance. Last evaluated: 2022-09-27. Review status: criteria provided, single submitter. Criteria: Invitae Variant Classification Sherloc (09022015). Collection method: clinical testing. Allele origin: germline.
Comment: In summary, the available evidence is currently insufficient to determine the role of this variant in disease. Therefore, it has been classified as a Variant of Uncertain Significance. Algorithms developed to predict the effect of missense changes on protein structure and function are either unavailable or do not agree on the potential impact of this missense change (SIFT: "Not Available"; PolyPhen-2: "Benign"; Align-GVGD: "Not Available"). ClinVar contains an entry for this variant (Variation ID: 1378502). This variant has not been reported in the literature in individuals affected with ADD3-related conditions. This variant is present in population databases (rs139343347, gnomAD 0.07%), and has an allele count higher than expected for a pathogenic variant. This sequence change replaces serine, which is neutral and polar, with leucine, which is neutral and non-polar, at codon 104 of the ADD3 protein (p.Ser104Leu).